The following is an entry in ClinVar:

NM_014795.4(ZEB2):c.3206C>T (p.Ser1069Leu)

Gene: ZEB2 (zinc finger E-box binding homeobox 2; minus strand). Cytogenetic location: 2q22.3.
Variant type: single nucleotide variant.
Coding change: c.3206C>T on transcript NM_014795.4 (MANE Select); coding-DNA position 3206, C replaced by T.
Protein change: p.Ser1069Leu; replaces serine 1069 with leucine.
Molecular consequence: missense variant.
Genome position (GRCh38, 1-based): chr2:144,389,890, G>A on the plus strand (C>T on the coding strand, the complement: ZEB2 is on the minus strand). VCF-style: chr2-144389890-G-A. GRCh37 (hg19) VCF-style: chr2-145147457-G-A.
Other names: c.3134C>T, p.Ser1045Leu (NM_001171653.2); short protein forms S1045L, S1069L.
Identifiers: ClinVar variation 2497906 (VCV002497906.1), dbSNP rs1553960778, ClinGen allele CA348700328.
Genomic context (GRCh38, chr2:144,389,890, plus strand): 5'-TCCCGCTCCTCCGCCTCCCGCTTGCAGTAGGAATACCTGTGATTCATGTGCTGCGAGTAC[G>A]AGCCCGAGTGTGAGAAGCGCTTGCCACATTTATCACACTGATAGGGCTTCTCGCCCGAGT-3'
Protein context (NP_055610.1, residues 1059-1079): KCGKRFSHSG[Ser1069Leu]YSQHMNHRYS

ClinVar aggregate classification (germline): Uncertain significance (1 of 4 stars; one submission).

Submission:

GeneDx
Classification: Uncertain significance. Last evaluated: 2022-10-08. Review status: criteria provided, single submitter. Criteria: GeneDx Variant Classification Process June 2021. Collection method: clinical testing. Allele origin: germline. Affected: yes.
Comment: Not observed at significant frequency in large population cohorts (gnomAD); In silico analysis supports that this missense variant has a deleterious effect on protein structure/function; Has not been previously published as pathogenic or benign to our knowledge; This variant is associated with the following publications: (PMID: 16053902)